The following is an entry in ClinVar:

ClinVar aggregate classification (germline): Benign. Review status: criteria provided, multiple submitters, no conflicts (2 of 4 stars). 3 submissions from 3 submitters: Benign (3). Last evaluated 2024-01-24.

Allele frequency attached by ClinVar (database versions not stated): 1000 Genomes Project 0.20068; TOPMed 0.22205.
gnomAD v4.1: 318,053 of 1,345,180 alleles (24%); highest among the groups gnomAD compares: South Asian, 26%; 38,636 homozygotes.

Submissions (3):

Unidad de Genómica Garrahan, Hospital de Pediatría Garrahan
Classification: Benign. Last evaluated: 2024-01-24. Review status: criteria provided, single submitter. Criteria: ACMG Guidelines, 2015. Collection method: clinical testing. Allele origin: germline. Affected: no. Observed: 38 variant alleles.
Comment: This variant is classified as Benign based on local population frequency. This variant was detected in 40% of patients studied by a panel of primary immunodeficiencies. Number of patients: 38. Only high quality variants are reported.

GeneDx
Classification: Benign. Last evaluated: 2019-01-25. Review status: criteria provided, single submitter. Criteria: GeneDx Variant Classification Process June 2021. Collection method: clinical testing. Allele origin: germline. Affected: yes.

Breakthrough Genomics
Classification: Benign. Review status: criteria provided, single submitter. Criteria: ACMG Guidelines, 2015. Collection method: not provided. Allele origin: germline. Inheritance: Autosomal dominant inheritance. Affected: yes.

NM_013336.4(SEC61A1):c.221-72G>T

Gene: SEC61A1 (SEC61 translocon subunit alpha 1; plus strand). Cytogenetic location: 3q21.3.
Variant type: single nucleotide variant.
Coding change: c.221-72G>T on transcript NM_013336.4 (MANE Select); 72 bases into the intron before coding-DNA position 221, G replaced by T.
Molecular consequence: intron variant.
Genome position (GRCh38, 1-based): chr3:128,056,637, G>T. VCF-style: chr3-128056637-G-T. GRCh37 (hg19) VCF-style: chr3-127775480-G-T.
Identifiers: ClinVar variation 1265748 (VCV001265748.5), dbSNP rs9827668, ClinGen allele CA11482123.
Genomic context (GRCh38, chr3:128,056,637, plus strand): 5'-ACACAGCTAGGAAACTGAAACACATTGGTTTTATATAAGGGGTACCCAGTCAAATTTTGC[G>T]TATTCATTTTTAAAATAACGTACTACGTTTCCAAGCTGATATTGACTGTTTTGCTTCCCC-3'